The following is an entry in ClinVar:

ClinVar aggregate classification (germline): Uncertain significance (1 of 4 stars; one submission).

Conditions:
Developmental and epileptic encephalopathy 94 (DEE94). Also called: Epileptic encephalopathy, childhood-onset; CHD2-Related Neurodevelopmental Disorders. Identifiers: Orphanet 1942, Orphanet 2382, MedGen C3809278, MONDO:0014150, OMIM 615369.

Allele frequency attached by ClinVar (database versions not stated): TOPMed below 0.00001; gnomAD 0.00001.
gnomAD v4.1: 5 of 1,614,074 alleles (0.00031%); highest among the groups gnomAD compares: East Asian, 0.0022%; no homozygotes.

Submission:

Labcorp Genetics (formerly Invitae), Labcorp
Classification: Uncertain significance for Developmental and epileptic encephalopathy 94. Last evaluated: 2025-10-10. Review status: criteria provided, single submitter. Criteria: Invitae Variant Classification Sherloc (09022015). Collection method: clinical testing. Allele origin: germline.
Comment: This sequence change replaces arginine, which is basic and polar, with cysteine, which is neutral and slightly polar, at codon 1763 of the CHD2 protein (p.Arg1763Cys). This variant is not present in population databases (gnomAD no frequency). This variant has not been reported in the literature in individuals affected with CHD2-related conditions. ClinVar contains an entry for this variant (Variation ID: 1469844). Invitae Evidence Modeling of protein sequence and biophysical properties (such as structural, functional, and spatial information, amino acid conservation, physicochemical variation, residue mobility, and thermodynamic stability) indicates that this missense variant is not expected to disrupt CHD2 protein function with a negative predictive value of 95%. In summary, the available evidence is currently insufficient to determine the role of this variant in disease. Therefore, it has been classified as a Variant of Uncertain Significance.

NM_001271.4(CHD2):c.5287C>T (p.Arg1763Cys)

Gene: CHD2 (chromodomain helicase DNA binding protein 2; plus strand). Cytogenetic location: 15q26.1.
Variant type: single nucleotide variant.
Coding change: c.5287C>T on transcript NM_001271.4 (MANE Select); coding-DNA position 5287, C replaced by T.
Protein change: p.Arg1763Cys; replaces arginine 1763 with cysteine.
Molecular consequence: missense variant.
Genome position (GRCh38, 1-based): chr15:93,024,505, C>T. VCF-style: chr15-93024505-C-T. GRCh37 (hg19) VCF-style: chr15-93567735-C-T.
Other names: short protein forms R1763C.
Identifiers: ClinVar variation 1469844 (VCV001469844.8), dbSNP rs1486760399, ClinGen allele CA393908470.